The following is an entry in ClinVar:

ClinVar aggregate classification (germline): Uncertain significance. Review status: criteria provided, multiple submitters, no conflicts (2 of 4 stars). 2 submissions from 2 submitters: Uncertain significance (2). Last evaluated 2024-11-11.

Conditions:
Inborn genetic diseases. Identifiers: MedGen C0950123, MeSH D030342.

Allele frequency attached by ClinVar (database versions not stated): ExAC 0.00002; gnomAD exomes 0.00002 and 0.00008; gnomAD 0.00003; ESP Exome Variant Server 0.00016.
gnomAD v4.1: 115 of 1,535,642 alleles (0.0075%); highest among the groups gnomAD compares: Non-Finnish European, 0.0094%; no homozygotes.

Submissions (2):

Labcorp Genetics (formerly Invitae), Labcorp
Classification: Uncertain significance. Last evaluated: 2024-11-11. Review status: criteria provided, single submitter. Criteria: Invitae Variant Classification Sherloc (09022015). Collection method: clinical testing. Allele origin: germline.
Comment: This sequence change replaces aspartic acid, which is acidic and polar, with glycine, which is neutral and non-polar, at codon 330 of the TUBGCP4 protein (p.Asp330Gly). This variant is present in population databases (rs200279819, gnomAD 0.005%). This variant has not been reported in the literature in individuals affected with TUBGCP4-related conditions. ClinVar contains an entry for this variant (Variation ID: 852439). Invitae Evidence Modeling of protein sequence and biophysical properties (such as structural, functional, and spatial information, amino acid conservation, physicochemical variation, residue mobility, and thermodynamic stability) indicates that this missense variant is not expected to disrupt TUBGCP4 protein function with a negative predictive value of 80%. In summary, the available evidence is currently insufficient to determine the role of this variant in disease. Therefore, it has been classified as a Variant of Uncertain Significance.

Ambry Genetics
Classification: Uncertain significance for Inborn genetic diseases. Last evaluated: 2021-03-07. Review status: criteria provided, single submitter. Criteria: Ambry Variant Classification Scheme 2023. Collection method: clinical testing. Allele origin: germline.

NM_014444.5(TUBGCP4):c.989A>G (p.Asp330Gly)

Gene: TUBGCP4 (tubulin gamma complex component 4; plus strand). Cytogenetic location: 15q15.3.
Variant type: single nucleotide variant.
Coding change: c.989A>G on transcript NM_014444.5 (MANE Select); coding-DNA position 989, A replaced by G.
Protein change: p.Asp330Gly; replaces aspartic acid 330 with glycine.
Molecular consequence: missense variant.
Genome position (GRCh38, 1-based): chr15:43,386,305, A>G. VCF-style: chr15-43386305-A-G. GRCh37 (hg19) VCF-style: chr15-43678503-A-G.
Other names: c.989A>G, p.Asp330Gly (NM_001286414.3); c.989A>G (NM_014444.2); short protein forms D330G.
Identifiers: ClinVar variation 852439 (VCV000852439.8), dbSNP rs200279819, ClinGen allele CA7523926.